The following is an entry in ClinVar:

NM_004369.4(COL6A3):c.6461G>A (p.Arg2154Gln)

Gene: COL6A3 (collagen type VI alpha 3 chain; minus strand). Cytogenetic location: 2q37.3.
Variant type: single nucleotide variant.
Coding change: c.6461G>A on transcript NM_004369.4 (MANE Select); coding-DNA position 6461, G replaced by A.
Protein change: p.Arg2154Gln; replaces arginine 2154 with glutamine.
Molecular consequence: missense variant.
Genome position (GRCh38, 1-based): chr2:237,358,531, C>T on the plus strand (G>A on the coding strand, the complement: COL6A3 is on the minus strand). VCF-style: chr2-237358531-C-T. GRCh37 (hg19) VCF-style: chr2-238267174-C-T.
Other names: c.4640G>A, p.Arg1547Gln (NM_057166.5); c.5843G>A, p.Arg1948Gln (NM_057167.4); short protein forms R1547Q, R2154Q, R1948Q.
Identifiers: ClinVar variation 858248 (VCV000858248.10), dbSNP rs145561490, ClinGen allele CA2188284.

ClinVar aggregate classification (germline): Uncertain significance. Review status: criteria provided, multiple submitters, no conflicts (2 of 4 stars). 2 submissions from 2 submitters: Uncertain significance (2). Last evaluated 2024-12-19.

Conditions:
Bethlem myopathy 1A. Also called: MYOPATHY, BENIGN CONGENITAL, WITH CONTRACTURES; Bethlem myopathy 1; Bethlem Muscular Dystrophy. Identifiers: Orphanet 610, MedGen CN029274, MONDO:0024530, OMIM 158810.

Allele frequency attached by ClinVar (database versions not stated): gnomAD 0.00004 and 0.00005; ESP Exome Variant Server 0.00008; TOPMed 0.00009.
gnomAD v4.1: 48 of 1,613,868 alleles (0.003%); highest among the groups gnomAD compares: Admixed American, 0.017%; no homozygotes.

Submissions (2):

Labcorp Genetics (formerly Invitae), Labcorp
Classification: Uncertain significance for Bethlem myopathy 1A. Last evaluated: 2024-12-19. Review status: criteria provided, single submitter. Criteria: Invitae Variant Classification Sherloc (09022015). Collection method: clinical testing. Allele origin: germline.
Comment: This sequence change replaces arginine, which is basic and polar, with glutamine, which is neutral and polar, at codon 2154 of the COL6A3 protein (p.Arg2154Gln). This variant is present in population databases (rs145561490, gnomAD 0.01%). This variant has not been reported in the literature in individuals affected with COL6A3-related conditions. ClinVar contains an entry for this variant (Variation ID: 858248). Invitae Evidence Modeling of protein sequence and biophysical properties (such as structural, functional, and spatial information, amino acid conservation, physicochemical variation, residue mobility, and thermodynamic stability) indicates that this missense variant is not expected to disrupt COL6A3 protein function with a negative predictive value of 80%. In summary, the available evidence is currently insufficient to determine the role of this variant in disease. Therefore, it has been classified as a Variant of Uncertain Significance.

Revvity Omics, Revvity
Classification: Uncertain significance. Last evaluated: 2023-10-31. Review status: criteria provided, single submitter. Criteria: ACMG Guidelines, 2015. Collection method: clinical testing. Allele origin: germline.